The following is an entry in ClinVar:

ClinVar aggregate classification (germline): Uncertain significance (1 of 4 stars; one submission).

Submission:

Labcorp Genetics (formerly Invitae), Labcorp
Classification: Uncertain significance. Last evaluated: 2024-03-19. Review status: criteria provided, single submitter. Criteria: Invitae Variant Classification Sherloc (09022015). Collection method: clinical testing. Allele origin: germline.
Comment: This sequence change replaces leucine, which is neutral and non-polar, with proline, which is neutral and non-polar, at codon 240 of the THPO protein (p.Leu240Pro). This variant is not present in population databases (gnomAD no frequency). This variant has not been reported in the literature in individuals affected with THPO-related conditions. Advanced modeling of protein sequence and biophysical properties (such as structural, functional, and spatial information, amino acid conservation, physicochemical variation, residue mobility, and thermodynamic stability) performed at Invitae indicates that this missense variant is not expected to disrupt THPO protein function with a negative predictive value of 80%. In summary, the available evidence is currently insufficient to determine the role of this variant in disease. Therefore, it has been classified as a Variant of Uncertain Significance.

NM_000460.4(THPO):c.719T>C (p.Leu240Pro)

Gene: THPO (thrombopoietin; minus strand). Cytogenetic location: 3q27.1.
Variant type: single nucleotide variant.
Coding change: c.719T>C on transcript NM_000460.4 (MANE Select); coding-DNA position 719, T replaced by C.
Protein change: p.Leu240Pro; replaces leucine 240 with proline.
Molecular consequence: missense variant. On other transcripts: synonymous variant (4).
Genome position (GRCh38, 1-based): chr3:184,372,856, A>G on the plus strand (T>C on the coding strand, the complement: THPO is on the minus strand). VCF-style: chr3-184372856-A-G. GRCh37 (hg19) VCF-style: chr3-184090644-A-G.
Other names: c.707T>C, p.Leu236Pro (NM_001177597.2, NM_001290022.1); c.702T>C, p.Pro234= (NM_001177598.2, NM_001290026.1); c.603T>C, p.Pro201= (NM_001289997.1, NM_001290027.1); c.719T>C, p.Leu240Pro (NM_001289998.1, NM_001290028.1); c.1139T>C, p.Leu380Pro (NM_001290003.1); short protein forms L240P, L236P, L380P.
Identifiers: ClinVar variation 3687550 (VCV003687550.2).